The following is an entry in ClinVar:

ClinVar aggregate classification (germline): Pathogenic (1 of 4 stars; one submission).

Conditions:
Hereditary cancer-predisposing syndrome. Also called: Hereditary Cancer Syndrome; Hereditary neoplastic syndrome; Neoplastic Syndromes, Hereditary; Tumor predisposition. Identifiers: Orphanet 140162, MedGen C0027672, MeSH D009386, MONDO:0015356.

Submission:

Ambry Genetics
Classification: Pathogenic for Hereditary cancer-predisposing syndrome. Last evaluated: 2025-04-14. Review status: criteria provided, single submitter. Criteria: Ambry Variant Classification Scheme 2023. Collection method: clinical testing. Allele origin: germline.
Comment: The c.1588delG pathogenic mutation, located in coding exon 4 of the MSH6 gene, results from a deletion of one nucleotide at nucleotide position 1588, causing a translational frameshift with a predicted alternate stop codon (p.D530Ifs*41). This variant is considered to be rare based on population cohorts in the Genome Aggregation Database (gnomAD). This alteration is expected to result in loss of function by premature protein truncation or nonsense-mediated mRNA decay. As such, this alteration is interpreted as a disease-causing mutation.

NM_000179.3(MSH6):c.1588del (p.Asp530fs)

Gene: MSH6 (mutS homolog 6; plus strand). Cytogenetic location: 2p16.3.
Variant type: Deletion.
Coding change: c.1588del on transcript NM_000179.3 (MANE Select); coding-DNA position 1588, one base deleted (G; older notation c.1588delG).
Protein change: p.Asp530fs; shifts the reading frame from aspartic acid 530.
Molecular consequence: frameshift variant. On other transcripts: non-coding transcript variant (4), intron variant (1).
Genome position (GRCh38, 1-based): chr2:47,799,571, G deleted. VCF-style (leftmost placement, unchanged base first): chr2-47799570-TG-T. GRCh37 (hg19) VCF-style: chr2-48026709-TG-T.
Other names: c.1198del, p.Asp400fs (NM_001281492.2); c.682del, p.Asp228fs (NM_001281493.2, NM_001281494.2, NM_001406811.1 and 6 more transcripts); c.1684del, p.Asp562fs (NM_001406795.1, NM_001406802.1); c.1588del, p.Asp530fs (NM_001406796.1, NM_001406798.1, NM_001406800.1 and 4 more transcripts); c.1291del, p.Asp431fs (NM_001406797.1, NM_001406801.1, NM_001406805.1 and 10 more transcripts); c.1063del, p.Asp355fs (NM_001406799.1, NM_001406806.1, NM_001406807.1); c.1510del, p.Asp504fs (NM_001406804.1); c.1594del, p.Asp532fs (NM_001406813.1); and 2 more; short protein forms D474fs, D504fs, D530fs, D228fs, D400fs, D431fs, D532fs, D355fs.
Identifiers: ClinVar variation 3913708 (VCV003913708.1).